The following is an entry in ClinVar:

NM_004415.4(DSP):c.6235G>C (p.Asp2079His)

Gene: DSP (desmoplakin; plus strand). Cytogenetic location: 6p24.3.
Variant type: single nucleotide variant.
Coding change: c.6235G>C on transcript NM_004415.4 (MANE Select); coding-DNA position 6235, G replaced by C.
Protein change: p.Asp2079His; replaces aspartic acid 2079 with histidine.
Molecular consequence: missense variant.
Genome position (GRCh38, 1-based): chr6:7,583,497, G>C. VCF-style: chr6-7583497-G-C. GRCh37 (hg19) VCF-style: chr6-7583730-G-C.
Other names: c.4438G>C, p.Asp1480His (NM_001008844.3); c.4906G>C, p.Asp1636His (NM_001319034.2); c.6235G>C (LRG_423t1); short protein forms D2079H, D1636H, D1480H.
Identifiers: ClinVar variation 450935 (VCV000450935.10), dbSNP rs992731463, ClinGen allele CA133974576.
Genomic context (GRCh38, chr6:7,583,497, plus strand): 5'-ATTGATCCCCATCGGAATGAGAAGCTGACTGTCGACAGTGCCATAGCTCGGGACCTCATT[G>C]ACTTCGATGACCGTCAGCAGATATATGCAGCAGAAAAAGCTATCACTGGTTTTGATGATC-3'
Protein context (NP_004406.2, residues 2069-2089): VDSAIARDLI[Asp2079His]FDDRQQIYAA

ClinVar aggregate classification (germline): Uncertain significance. Review status: criteria provided, multiple submitters, no conflicts (2 of 4 stars). 3 submissions from 3 submitters: Uncertain significance (3). Last evaluated 2024-02-01.

Conditions:
Arrhythmogenic cardiomyopathy with wooly hair and keratoderma. Also called: PALMOPLANTAR KERATODERMA WITH LEFT VENTRICULAR CARDIOMYOPATHY AND WOOLLY HAIR; Carvajal syndrome; Dilated cardiomyopathy with woolly hair and keratoderma; Arrhythmogenic cardiomyopathy with woolly hair and keratoderma. Identifiers: Orphanet 65282, MedGen C1854063, MONDO:0011581, OMIM 605676.
Arrhythmogenic right ventricular dysplasia 8 (ARVD8). Also called: Arrhythmogenic Right Ventricular Dysplasia/Cardiomyopathy 8; ARRHYTHMOGENIC RIGHT VENTRICULAR CARDIOMYOPATHY 8; ARRHYTHMOGENIC RIGHT VENTRICULAR DYSPLASIA, FAMILIAL, 8. Identifiers: MedGen C1843896, MONDO:0011831, OMIM 607450.
Cardiomyopathy (CMYO). Also called: Cardiomyopathies. Identifiers: Orphanet 167848, MedGen C0878544, MONDO:0004994, HP:0001638. Inheritance: Various modes of inheritance.

Allele frequency attached by ClinVar (database versions not stated): gnomAD exomes below 0.00001; gnomAD 0.00001; TOPMed 0.00003.
gnomAD v4.1: 4 of 1,614,026 alleles (0.00025%); highest among the groups gnomAD compares: African/African-American, 0.0027%; no homozygotes.

Submissions (3):

Labcorp Genetics (formerly Invitae), Labcorp
Classification: Uncertain significance for Arrhythmogenic cardiomyopathy with wooly hair and keratoderma; Arrhythmogenic right ventricular dysplasia 8. Last evaluated: 2024-02-01. Review status: criteria provided, single submitter. Criteria: Invitae Variant Classification Sherloc (09022015). Collection method: clinical testing. Allele origin: germline.
Comment: This sequence change replaces aspartic acid, which is acidic and polar, with histidine, which is basic and polar, at codon 2079 of the DSP protein (p.Asp2079His). This variant is present in population databases (no rsID available, gnomAD 0.0009%). This variant has not been reported in the literature in individuals affected with DSP-related conditions. ClinVar contains an entry for this variant (Variation ID: 450935). An algorithm developed to predict the effect of missense changes on protein structure and function (PolyPhen-2) suggests that this variant is likely to be disruptive. In summary, the available evidence is currently insufficient to determine the role of this variant in disease. Therefore, it has been classified as a Variant of Uncertain Significance.

Color Diagnostics, LLC DBA Color Health
Classification: Uncertain significance for Cardiomyopathy. Last evaluated: 2023-03-22. Review status: criteria provided, single submitter. Criteria: ACMG Guidelines, 2015. Collection method: clinical testing. Allele origin: germline.
Comment: This missense variant replaces aspartic acid with histidine at codon 2079 of the DSP protein. Computational prediction suggests that this variant may have deleterious impact on protein structure and function (internally defined REVEL score threshold >= 0.7, PMID: 27666373). To our knowledge, functional studies have not been reported for this variant. This variant has not been reported in individuals affected with DSP-related disorders in the literature. This variant has been identified in 1/251102 chromosomes in the general population by the Genome Aggregation Database (gnomAD). The available evidence is insufficient to determine the role of this variant in disease conclusively. Therefore, this variant is classified as a Variant of Uncertain Significance.

GeneDx
Classification: Uncertain significance. Last evaluated: 2018-05-17. Review status: criteria provided, single submitter. Criteria: GeneDx Variant Classification (06012015). Collection method: clinical testing. Allele origin: germline. Affected: yes.
Comment: A variant of uncertain significance has been identified in the DSP gene. The D2079H variant has not been published as pathogenic or been reported as benign to our knowledge. This variant is not observed at a significant frequency in large population cohorts (Lek et al., 2016). The D2079H variant is a non-conservative amino acid substitution, which is likely to impact secondary protein structure as these residues differ in polarity, charge, size and/or other properties. Furthermore, in-silico analyses, including protein predictors and evolutionary conservation, support a deleterious effect. However, based on the currently available information, it is unclear whether this variant is pathogenic or rare benign.